The following is an entry in ClinVar:

NM_020770.3(CGN):c.3304C>T (p.Gln1102Ter)

Gene: CGN (cingulin; plus strand). Cytogenetic location: 1q21.3.
Variant type: single nucleotide variant.
Coding change: c.3304C>T on transcript NM_020770.3 (MANE Select); coding-DNA position 3304, C replaced by T.
Protein change: p.Gln1102Ter; replaces glutamine 1102 with a stop codon.
Molecular consequence: nonsense.
Genome position (GRCh38, 1-based): chr1:151,536,343, C>T. VCF-style: chr1-151536343-C-T. GRCh37 (hg19) VCF-style: chr1-151508819-C-T.
Other names: short protein forms Q1102*.
Identifiers: ClinVar variation 3600383 (VCV003600383.1).

ClinVar aggregate classification (germline): Uncertain significance (1 of 4 stars; one submission).

Conditions:
Nonsyndromic Deafness. Also called: Non-syndromic hearing loss; Nonsyndromic hearing loss. Identifiers: MedGen C3711374, MeSH C580334.

gnomAD v4.1: 1 of 1,570,322 alleles (0.000064%); highest among the groups gnomAD compares: Non-Finnish European, 0.000088%; no homozygotes.

Submission:

Clinical Genomics Laboratory, Washington University in St. Louis
Classification: Uncertain significance for Nonsyndromic hearing loss. Last evaluated: 2024-10-28. Review status: criteria provided, single submitter. Criteria: ACMG Guidelines, 2015. Collection method: clinical testing. Allele origin: germline.
Comment: The CGN c.3304C>T (p.Gln1102*) variant, to our knowledge, has not been reported in the medical literature. This variant is absent from the general population (gnomAD v.2.1.1), indicating it is not a common variant. This variant causes a frameshift leading to a premature termination codon, which is predicted to lead to nonsense-mediated decay. Due to limited information, the clinical significance of this variant is uncertain.